The following is an entry in ClinVar:

NM_000095.3(COMP):c.1007A>G (p.Gln336Arg)

Gene: COMP (cartilage oligomeric matrix protein; minus strand). Cytogenetic location: 19p13.11.
Variant type: single nucleotide variant.
Coding change: c.1007A>G on transcript NM_000095.3 (MANE Select); coding-DNA position 1007, A replaced by G.
Protein change: p.Gln336Arg; replaces glutamine 336 with arginine.
Molecular consequence: missense variant.
Genome position (GRCh38, 1-based): chr19:18,787,619, T>C on the plus strand (A>G on the coding strand, the complement: COMP is on the minus strand). VCF-style: chr19-18787619-T-C. GRCh37 (hg19) VCF-style: chr19-18898428-T-C.
Other names: short protein forms Q336R.
Identifiers: ClinVar variation 5020320 (VCV005020320.1).
Genomic context (GRCh38, chr19:18,787,619, plus strand): 5'-TTCTTCTGGGACCGGCAGTTGTCGCACGCATCGCCCCACTTGTCCTCGTCCGTGTTGCGC[T>C]GGTCTGGGTTCCGCACCAGCGGGCAGTTGTCCTGGATGACAGGGTGGGTTAAGGGTGAGA-3'
Protein context (NP_000086.2, residues 326-346): DNCPLVRNPD[Gln336Arg]RNTDEDKWGD

ClinVar aggregate classification (germline): Uncertain significance (1 of 4 stars; one submission).

Submission:

Dasa
Classification: Uncertain significance. Last evaluated: 2026-06-23. Review status: criteria provided, single submitter. Criteria: DASA Assertion Criteria. Collection method: clinical testing. Allele origin: germline.
Comment: NM_000095.3(COMP):c.1007A>G (p.Gln336Arg) is a missense variant that results in the substitution of glutamine with arginine. The affected residue or protein region has prior evidence supporting clinical relevance. This variant is rare in population databases. Computational prediction algorithms are consistent with a deleterious effect. The currently available literature and clinical evidence are not sufficient to establish a definitive association between this variant and the reported condition. Therefore, this variant is classified as a variant of uncertain significance.